The following is an entry in ClinVar:

NM_006648.4(WNK2):c.1922C>A (p.Ala641Asp)

Gene: WNK2 (WNK lysine deficient protein kinase 2; plus strand). Cytogenetic location: 9q22.31.
Variant type: single nucleotide variant.
Coding change: c.1922C>A on transcript NM_006648.4 (MANE Select); coding-DNA position 1922, C replaced by A.
Protein change: p.Ala641Asp; replaces alanine 641 with aspartic acid.
Molecular consequence: missense variant.
Genome position (GRCh38, 1-based): chr9:93,252,970, C>A. VCF-style: chr9-93252970-C-A. GRCh37 (hg19) VCF-style: chr9-96015252-C-A.
Other names: c.1922C>A, p.Ala641Asp (NM_001282394.3); short protein forms A641D.
Identifiers: ClinVar variation 3190619 (VCV003190619.2), dbSNP rs1051362149, ClinGen allele CA196384718.

ClinVar aggregate classification (germline): Uncertain significance (1 of 4 stars; one submission).

Allele frequency attached by ClinVar (database versions not stated): TOPMed below 0.00001.
gnomAD v4.1: 1 of 1,573,776 alleles (0.000064%); no homozygotes.

Submission:

Ambry Genetics
Classification: Uncertain significance. Last evaluated: 2025-02-03. Review status: criteria provided, single submitter. Criteria: Ambry Variant Classification Scheme 2023. Collection method: clinical testing. Allele origin: germline.
Comment: The p.A641D variant (also known as c.1922C>A), located in coding exon 8 of the WNK2 gene, results from a C to A substitution at nucleotide position 1922. The alanine at codon 641 is replaced by aspartic acid, an amino acid with dissimilar properties. This amino acid position is conserved. In addition, this alteration is predicted to be tolerated by in silico analysis. Based on the available evidence, the clinical significance of this variant remains unclear.